The following is an entry in ClinVar:

ClinVar aggregate classification (germline): Uncertain significance. Review status: criteria provided, multiple submitters, no conflicts (2 of 4 stars). 2 submissions from 2 submitters: Uncertain significance (2). Last evaluated 2025-01-20.

Conditions:
Inborn genetic diseases. Identifiers: MedGen C0950123, MeSH D030342.

Allele frequency attached by ClinVar (database versions not stated): gnomAD 0.00001; ESP Exome Variant Server 0.00008.
gnomAD v4.1: 3 of 1,610,930 alleles (0.00019%); highest among the groups gnomAD compares: Non-Finnish European, 0.00017%; no homozygotes.

Submissions (2):

Ambry Genetics
Classification: Uncertain significance for Inborn genetic diseases. Last evaluated: 2025-01-20. Review status: criteria provided, single submitter. Criteria: Ambry Variant Classification Scheme 2023. Collection method: clinical testing. Allele origin: germline.

Labcorp Genetics (formerly Invitae), Labcorp
Classification: Uncertain significance. Last evaluated: 2022-08-13. Review status: criteria provided, single submitter. Criteria: Invitae Variant Classification Sherloc (09022015). Collection method: clinical testing. Allele origin: germline.
Comment: This sequence change replaces valine, which is neutral and non-polar, with phenylalanine, which is neutral and non-polar, at codon 203 of the SI protein (p.Val203Phe). This variant is present in population databases (rs371937953, gnomAD 0.003%). This variant has not been reported in the literature in individuals affected with SI-related conditions. Advanced modeling of protein sequence and biophysical properties (such as structural, functional, and spatial information, amino acid conservation, physicochemical variation, residue mobility, and thermodynamic stability) performed at Invitae indicates that this missense variant is expected to disrupt SI protein function. In summary, the available evidence is currently insufficient to determine the role of this variant in disease. Therefore, it has been classified as a Variant of Uncertain Significance.

NM_001041.4(SI):c.607G>T (p.Val203Phe)

Gene: SI (sucrase-isomaltase; minus strand). Cytogenetic location: 3q26.1.
Variant type: single nucleotide variant.
Coding change: c.607G>T on transcript NM_001041.4 (MANE Select); coding-DNA position 607, G replaced by T.
Protein change: p.Val203Phe; replaces valine 203 with phenylalanine.
Molecular consequence: missense variant.
Genome position (GRCh38, 1-based): chr3:165,067,368, C>A on the plus strand (G>T on the coding strand, the complement: SI is on the minus strand). VCF-style: chr3-165067368-C-A. GRCh37 (hg19) VCF-style: chr3-164785156-C-A.
Other names: c.607G>T (NM_001041.3); short protein forms V203F.
Identifiers: ClinVar variation 1911638 (VCV001911638.3), dbSNP rs371937953, ClinGen allele CA2691424.
Genomic context (GRCh38, chr3:165,067,368, plus strand): 5'-AAACTTATATAATTGTAAAATAATACACTTACAAAGTTTTACCGTTGCTTTTCCTAATAA[C>A]TTGGATGCTAAATGGGTTTTGGGCAACCTTCACATCATACAACGTATCAGAAACTGTGGG-3'
Protein context (NP_001032.2, residues 193-213): KVAQNPFSIQ[Val203Phe]IRKSNGKTLF